The following is an entry in ClinVar:

NM_016592.5(GNAS):c.514G>A (p.Asp172Asn)

Genes: GNAS (GNAS complex locus; plus strand), GNAS-AS1 (GNAS antisense RNA 1; minus strand). Cytogenetic location: 20q13.32.
Variant type: single nucleotide variant.
Coding change: c.514G>A on transcript NM_016592.5 (MANE Plus Clinical); coding-DNA position 514, G replaced by A.
Protein change: p.Asp172Asn; replaces aspartic acid 172 with asparagine.
Molecular consequence: missense variant. On other transcripts: 5 prime UTR variant (1).
Genome position (GRCh38, 1-based): chr20:58,840,620, G>A. VCF-style: chr20-58840620-G-A. GRCh37 (hg19) VCF-style: chr20-57415675-G-A.
Other names: c.-224G>A (NM_001410912.1); short protein forms D172N.
Identifiers: ClinVar variation 1328087 (VCV001328087.7), dbSNP rs376154152, ClinGen allele CA9926347.

ClinVar aggregate classification (germline): Uncertain significance. Review status: criteria provided, single submitter (1 of 4 stars). 4 submissions from 4 submitters: Uncertain significance (1). 3 of the submissions do not count toward it. Last evaluated 2023-06-23.

Conditions:
GNAS-related disorder. Identifiers: MedGen CN380105.

Allele frequency attached by ClinVar (database versions not stated): gnomAD exomes 0.00001 and below 0.00001; gnomAD 0.00003; ESP Exome Variant Server 0.00008; ExAC 0.00001; TOPMed 0.00002.
gnomAD v4.1: 10 of 1,607,782 alleles (0.00062%); highest among the groups gnomAD compares: African/African-American, 0.0053%; no homozygotes.

Submissions (4):

GeneDx
Classification: Uncertain significance. Last evaluated: 2023-06-23. Review status: criteria provided, single submitter. Criteria: GeneDx Variant Classification Process June 2021. Collection method: clinical testing. Allele origin: germline. Affected: yes.
Comment: Has not been previously published as pathogenic or benign to our knowledge; In silico analysis supports that this missense variant has a deleterious effect on protein structure/function; Reported using an alternate transcript of the gene

PreventionGenetics, part of Exact Sciences
Classification: Uncertain significance for GNAS-related condition. Last evaluated: 2024-01-12. Review status: no assertion criteria provided. Collection method: clinical testing. Allele origin: germline. Not counted in ClinVar's aggregate classification.
Comment: The GNAS c.514G>A variant is predicted to result in the amino acid substitution p.Asp172Asn. To our knowledge, this variant has not been reported in the literature. This variant is reported in 0.0081% of alleles in individuals of African descent in gnomAD. At this time, the clinical significance of this variant is uncertain due to the absence of conclusive functional and genetic evidence.

Clinical Genetics DNA and cytogenetics Diagnostics Lab, Erasmus MC, Erasmus Medical Center
Classification: Likely benign. Review status: no assertion criteria provided. Collection method: clinical testing. Allele origin: germline. Affected: yes. Study: VKGL Data-share Consensus. Not counted in ClinVar's aggregate classification.

Clinical Genetics, Academic Medical Center
Classification: Likely benign. Review status: no assertion criteria provided. Collection method: clinical testing. Allele origin: germline. Affected: yes. Study: VKGL Data-share Consensus. Not counted in ClinVar's aggregate classification.